The following is an entry in ClinVar:

NM_014846.4(WASHC5):c.2888A>G (p.Asn963Ser)

Gene: WASHC5 (WASH complex subunit 5; minus strand). Cytogenetic location: 8q24.13.
Variant type: single nucleotide variant.
Coding change: c.2888A>G on transcript NM_014846.4 (MANE Select); coding-DNA position 2888, A replaced by G.
Protein change: p.Asn963Ser; replaces asparagine 963 with serine.
Molecular consequence: missense variant.
Genome position (GRCh38, 1-based): chr8:125,039,861, T>C on the plus strand (A>G on the coding strand, the complement: WASHC5 is on the minus strand). VCF-style: chr8-125039861-T-C. GRCh37 (hg19) VCF-style: chr8-126052103-T-C.
Other names: c.2444A>G, p.Asn815Ser (NM_001330609.2); short protein forms N963S, N815S.
Identifiers: ClinVar variation 427183 (VCV000427183.5), dbSNP rs748167994, ClinGen allele CA4873397.

ClinVar aggregate classification (germline): Conflicting classifications of pathogenicity. Review status: criteria provided, conflicting classifications (1 of 4 stars). 2 submissions from 2 submitters: Likely pathogenic (1); Uncertain significance (1). Last evaluated 2021-11-18.

Conditions:
Hereditary spastic paraplegia. Also called: Familial spastic paraparesis. Identifiers: Orphanet 685, MedGen C0037773, MONDO:0019064. Disease mechanism: loss of function.

Allele frequency attached by ClinVar (database versions not stated): gnomAD 0.00003 and 0.00005; TOPMed 0.00020; ExAC 0.00001; gnomAD exomes 0.00001.
gnomAD v4.1: 29 of 1,613,838 alleles (0.0018%); highest among the groups gnomAD compares: Admixed American, 0.012%; no homozygotes.

Submissions (2):

Genome Diagnostics Laboratory, The Hospital for Sick Children
Classification: Uncertain significance for Hereditary spastic paraplegia. Last evaluated: 2021-11-18. Review status: criteria provided, single submitter. Criteria: ACMG Guidelines, 2015. Collection method: clinical testing. Allele origin: germline. Affected: yes.

GeneDx
Classification: Likely pathogenic. Last evaluated: 2015-04-27. Review status: criteria provided, single submitter. Criteria: GeneDx Variant Classification (06012015). Collection method: clinical testing. Allele origin: germline. Affected: yes.
Comment: The N963S variant in the KIAA0196 gene has not been published as a pathogenic variant nor has it been reported as a benign polymorphism to our knowledge. The N963S variant was not observed in approximately 6500 individuals of European and African American ancestry in the NHLBI Exome Sequencing Project, indicating it is not a common benign variant in these populations. The N963S variant is a conservative amino acid substitution, which is not likely to impact secondary protein structure as these residues share similar properties. This substitution occurs at a position that is conserved across species. In silico analysis predicts this variant is probably damaging to the protein structure/function. The N963S variant is a strong candidate for a disease-causing variant however, the possibility it may be a rare benign variant cannot be excluded.